The following is an entry in ClinVar:

ClinVar aggregate classification (germline): Uncertain significance (1 of 4 stars; one submission).

Conditions:
Autosomal recessive nonsyndromic hearing loss 98. Also called: Deafness, autosomal recessive 98. Identifiers: Orphanet 90636, MedGen C3553932, MONDO:0013929, OMIM 614861.

Allele frequency attached by ClinVar (database versions not stated): 1000 Genomes Project 30x 0.00125; 1000 Genomes Project 0.00100.
gnomAD v4.1: 183 of 1,612,848 alleles (0.011%); highest among the groups gnomAD compares: East Asian, 0.047%; no homozygotes.

Submission:

Baylor Genetics
Classification: Uncertain significance for Autosomal recessive nonsyndromic hearing loss 98. Last evaluated: 2018-05-08. Review status: criteria provided, single submitter. Criteria: ACMG Guidelines, 2015. Collection method: clinical testing. Allele origin: maternal. Affected: yes.
Comment: This variant was determined to be of uncertain significance according to ACMG Guidelines, 2015 [PMID:25741868].

NM_144991.3(TSPEAR):c.304-5450G>T

Genes: KRTAP10-1 (keratin associated protein 10-1; minus strand), TSPEAR (thrombospondin type laminin G domain and EAR repeats; minus strand). Cytogenetic location: 21q22.3.
Variant type: single nucleotide variant.
Coding change: c.304-5450G>T on transcript NM_144991.3 (MANE Select); 5450 bases into the intron before coding-DNA position 304, G replaced by T.
Molecular consequence: intron variant. On other transcripts: missense variant (1).
Genome position (GRCh38, 1-based): chr21:44,539,373, C>A on the plus strand (G>T on the coding strand, the complement: TSPEAR is on the minus strand). VCF-style: chr21-44539373-C-A. GRCh37 (hg19) VCF-style: chr21-45959256-C-A.
Other names: c.778G>T, p.Ala260Ser (NM_198691.3); c.100-5450G>T (NM_001272037.2); short protein forms A260S.
Identifiers: ClinVar variation 1033115 (VCV001033115.2), dbSNP rs143105755, ClinGen allele CA10057141.